The following is an entry in ClinVar:

ClinVar aggregate classification (germline): Uncertain significance (1 of 4 stars; one submission).

Allele frequency attached by ClinVar (database versions not stated): gnomAD 0.00001 and 0.00002; gnomAD exomes 0.00001; TOPMed 0.00001.

Submission:

Labcorp Genetics (formerly Invitae), Labcorp
Classification: Uncertain significance. Last evaluated: 2024-03-12. Review status: criteria provided, single submitter. Criteria: Invitae Variant Classification Sherloc (09022015). Collection method: clinical testing. Allele origin: germline.
Comment: This sequence change replaces alanine, which is neutral and non-polar, with glycine, which is neutral and non-polar, at codon 8 of the PYCR1 protein (p.Ala8Gly). This variant is present in population databases (no rsID available, gnomAD 0.01%). This variant has not been reported in the literature in individuals affected with PYCR1-related conditions. ClinVar contains an entry for this variant (Variation ID: 1472677). Advanced modeling of protein sequence and biophysical properties (such as structural, functional, and spatial information, amino acid conservation, physicochemical variation, residue mobility, and thermodynamic stability) performed at Invitae indicates that this missense variant is not expected to disrupt PYCR1 protein function with a negative predictive value of 80%. In summary, the available evidence is currently insufficient to determine the role of this variant in disease. Therefore, it has been classified as a Variant of Uncertain Significance.

NM_006907.4(PYCR1):c.23C>G (p.Ala8Gly)

Gene: PYCR1 (pyrroline-5-carboxylate reductase 1; minus strand). Cytogenetic location: 17q25.3.
Variant type: single nucleotide variant.
Coding change: c.23C>G on transcript NM_006907.4 (MANE Select); coding-DNA position 23, C replaced by G.
Protein change: p.Ala8Gly; replaces alanine 8 with glycine.
Molecular consequence: missense variant.
Genome position (GRCh38, 1-based): chr17:81,936,792, G>C on the plus strand (C>G on the coding strand, the complement: PYCR1 is on the minus strand). VCF-style: chr17-81936792-G-C. GRCh37 (hg19) VCF-style: chr17-79894668-G-C.
Other names: c.23C>G, p.Ala8Gly (NM_001282279.2, NM_001282280.2, NM_001330523.2 and 1 more transcripts); c.104C>G, p.Ala35Gly (NM_001282281.2); short protein forms A8G, A35G.
Identifiers: ClinVar variation 1472677 (VCV001472677.7), dbSNP rs1246192931, ClinGen allele CA401541183.